The following is an entry in ClinVar:

ClinVar aggregate classification (germline): Uncertain significance (1 of 4 stars; one submission).

Conditions:
Developmental and epileptic encephalopathy, 23 (DEE23). Also called: Epileptic encephalopathy, early infantile, 23. Identifiers: Orphanet 411986, MedGen C4014492, MONDO:0014371, OMIM 615859.

Submission:

Labcorp Genetics (formerly Invitae), Labcorp
Classification: Uncertain significance for Developmental and epileptic encephalopathy, 23. Last evaluated: 2024-12-09. Review status: criteria provided, single submitter. Criteria: Invitae Variant Classification Sherloc (09022015). Collection method: clinical testing. Allele origin: germline.
Comment: This sequence change replaces asparagine, which is neutral and polar, with serine, which is neutral and polar, at codon 1924 of the DOCK7 protein (p.Asn1924Ser). This variant is not present in population databases (gnomAD no frequency). This variant has not been reported in the literature in individuals affected with DOCK7-related conditions. Invitae Evidence Modeling of protein sequence and biophysical properties (such as structural, functional, and spatial information, amino acid conservation, physicochemical variation, residue mobility, and thermodynamic stability) indicates that this missense variant is not expected to disrupt DOCK7 protein function with a negative predictive value of 80%. In summary, the available evidence is currently insufficient to determine the role of this variant in disease. Therefore, it has been classified as a Variant of Uncertain Significance.

NM_001367561.1(DOCK7):c.5804A>G (p.Asn1935Ser)

Gene: DOCK7 (dedicator of cytokinesis 7; minus strand). Cytogenetic location: 1p31.3.
Variant type: single nucleotide variant.
Coding change: c.5804A>G on transcript NM_001367561.1 (MANE Select); coding-DNA position 5804, A replaced by G.
Protein change: p.Asn1935Ser; replaces asparagine 1935 with serine.
Molecular consequence: missense variant.
Genome position (GRCh38, 1-based): chr1:62,475,864, T>C on the plus strand (A>G on the coding strand, the complement: DOCK7 is on the minus strand). VCF-style: chr1-62475864-T-C. GRCh37 (hg19) VCF-style: chr1-62941535-T-C.
Other names: c.5771A>G, p.Asn1924Ser (NM_001271999.2); c.5684A>G, p.Asn1895Ser (NM_001272000.2); c.5678A>G, p.Asn1893Ser (NM_001272001.2); c.5777A>G, p.Asn1926Ser (NM_001330614.2); c.5711A>G, p.Asn1904Ser (NM_033407.4); short protein forms N1893S, N1926S, N1924S, N1904S, N1935S, N1895S.
Identifiers: ClinVar variation 3657336 (VCV003657336.2).